The following is an entry in ClinVar:

ClinVar aggregate classification (germline): Uncertain significance (1 of 4 stars; one submission).

Conditions:
RASopathy. Also called: rasopathies; Noonan spectrum disorder. Identifiers: Orphanet 536391, MedGen C5555857, MONDO:0021060.

Submission:

Labcorp Genetics (formerly Invitae), Labcorp
Classification: Uncertain significance for RASopathy. Last evaluated: 2024-06-05. Review status: criteria provided, single submitter. Criteria: Invitae Variant Classification Sherloc (09022015). Collection method: clinical testing. Allele origin: germline.
Comment: This sequence change replaces glutamine, which is neutral and polar, with histidine, which is basic and polar, at codon 439 of the SOS1 protein (p.Gln439His). This variant is not present in population databases (gnomAD no frequency). This variant has not been reported in the literature in individuals affected with SOS1-related conditions. Advanced modeling of protein sequence and biophysical properties (such as structural, functional, and spatial information, amino acid conservation, physicochemical variation, residue mobility, and thermodynamic stability) has been performed at Invitae for this missense variant, however the output from this modeling did not meet the statistical confidence thresholds required to predict the impact of this variant on SOS1 protein function. In summary, the available evidence is currently insufficient to determine the role of this variant in disease. Therefore, it has been classified as a Variant of Uncertain Significance.

NM_005633.4(SOS1):c.1317G>C (p.Gln439His)

Gene: SOS1 (SOS Ras/Rac guanine nucleotide exchange factor 1; minus strand). Cytogenetic location: 2p22.1.
Variant type: single nucleotide variant.
Coding change: c.1317G>C on transcript NM_005633.4 (MANE Select); coding-DNA position 1317, G replaced by C.
Protein change: p.Gln439His; replaces glutamine 439 with histidine.
Molecular consequence: missense variant.
Genome position (GRCh38, 1-based): chr2:39,023,111, C>G on the plus strand (G>C on the coding strand, the complement: SOS1 is on the minus strand). VCF-style: chr2-39023111-C-G. GRCh37 (hg19) VCF-style: chr2-39250252-C-G.
Other names: c.1296G>C, p.Gln432His (NM_001382394.1); c.1317G>C, p.Gln439His (NM_001382395.1); short protein forms Q439H, Q432H.
Identifiers: ClinVar variation 3655656 (VCV003655656.2).